The following is an entry in ClinVar:

ClinVar aggregate classification (germline): Uncertain significance. Review status: criteria provided, multiple submitters, no conflicts (2 of 4 stars). 2 submissions from 2 submitters: Uncertain significance (2). Last evaluated 2022-08-13.

gnomAD v4.1: 10 of 1,598,250 alleles (0.00063%); highest among the groups gnomAD compares: Non-Finnish European, 0.00085%; no homozygotes.

Submissions (2):

Blueprint Genetics
Classification: Uncertain significance. Last evaluated: 2022-08-13. Review status: criteria provided, single submitter. Criteria: ACMG Guidelines, 2015. Collection method: clinical testing. Allele origin: germline.

Labcorp Genetics (formerly Invitae), Labcorp
Classification: Uncertain significance. Last evaluated: 2022-05-28. Review status: criteria provided, single submitter. Criteria: Invitae Variant Classification Sherloc (09022015). Collection method: clinical testing. Allele origin: germline.
Comment: In summary, the available evidence is currently insufficient to determine the role of this variant in disease. Therefore, it has been classified as a Variant of Uncertain Significance. Algorithms developed to predict the effect of missense changes on protein structure and function are either unavailable or do not agree on the potential impact of this missense change (SIFT: "Tolerated"; PolyPhen-2: "Probably Damaging"; Align-GVGD: "Class C0"). This variant has not been reported in the literature in individuals affected with RIMS1-related conditions. This variant is present in population databases (rs771037675, gnomAD 0.01%). This sequence change replaces proline, which is neutral and non-polar, with leucine, which is neutral and non-polar, at codon 862 of the RIMS1 protein (p.Pro862Leu).

NM_014989.7(RIMS1):c.2585C>T (p.Pro862Leu)

Gene: RIMS1 (regulating synaptic membrane exocytosis 1; plus strand). Cytogenetic location: 6q13.
Variant type: single nucleotide variant.
Coding change: c.2585C>T on transcript NM_014989.7 (MANE Select); coding-DNA position 2585, C replaced by T.
Protein change: p.Pro862Leu; replaces proline 862 with leucine.
Molecular consequence: missense variant.
Genome position (GRCh38, 1-based): chr6:72,251,255, C>T. VCF-style: chr6-72251255-C-T. GRCh37 (hg19) VCF-style: chr6-72960958-C-T.
Other names: c.1007C>T, p.Pro336Leu (NM_001168407.2, NM_001168408.2, NM_001350414.2 and 37 more transcripts); c.764C>T, p.Pro255Leu (NM_001168409.2, NM_001350461.2, NM_001350463.2 and 6 more transcripts); c.962C>T, p.Pro321Leu (NM_001168410.2, NM_001350470.2, NM_001350472.2 and 2 more transcripts); c.938C>T, p.Pro313Leu (NM_001350421.2, NM_001350424.2, NM_001350428.2 and 6 more transcripts); short protein forms P313L, P336L, P862L, P255L, P321L.
Identifiers: ClinVar variation 1999923 (VCV001999923.5), dbSNP rs771037675, ClinGen allele CA3885990.